The following is an entry in ClinVar:

ClinVar aggregate classification (germline): Uncertain significance. Review status: criteria provided, multiple submitters, no conflicts (2 of 4 stars). 2 submissions from 2 submitters: Uncertain significance (2). Last evaluated 2025-05-20.

Conditions:
Inborn genetic diseases. Identifiers: MedGen C0950123, MeSH D030342.

Allele frequency attached by ClinVar (database versions not stated): TOPMed below 0.00001; gnomAD 0.00001.
gnomAD v4.1: 2 of 1,547,756 alleles (0.00013%); highest among the groups gnomAD compares: Non-Finnish European, 0.00017%; no homozygotes.

Submissions (2):

Ambry Genetics
Classification: Uncertain significance for Inborn genetic diseases. Last evaluated: 2025-05-20. Review status: criteria provided, single submitter. Criteria: Ambry Variant Classification Scheme 2023. Collection method: clinical testing. Allele origin: germline.

Labcorp Genetics (formerly Invitae), Labcorp
Classification: Uncertain significance. Last evaluated: 2023-01-12. Review status: criteria provided, single submitter. Criteria: Invitae Variant Classification Sherloc (09022015). Collection method: clinical testing. Allele origin: germline.
Comment: In summary, the available evidence is currently insufficient to determine the role of this variant in disease. Therefore, it has been classified as a Variant of Uncertain Significance. Algorithms developed to predict the effect of missense changes on protein structure and function are either unavailable or do not agree on the potential impact of this missense change (SIFT: "Deleterious"; PolyPhen-2: "Possibly Damaging"; Align-GVGD: "Class C0"). This variant has not been reported in the literature in individuals affected with KCNC3-related conditions. This variant is present in population databases (no rsID available, gnomAD 0.002%). This sequence change replaces cysteine, which is neutral and slightly polar, with tryptophan, which is neutral and slightly polar, at codon 646 of the KCNC3 protein (p.Cys646Trp).

NM_004977.3(KCNC3):c.1938C>G (p.Cys646Trp)

Gene: KCNC3 (potassium voltage-gated channel subfamily C member 3; minus strand). Cytogenetic location: 19q13.33.
Variant type: single nucleotide variant.
Coding change: c.1938C>G on transcript NM_004977.3 (MANE Select); coding-DNA position 1938, C replaced by G.
Protein change: p.Cys646Trp; replaces cysteine 646 with tryptophan.
Molecular consequence: missense variant.
Genome position (GRCh38, 1-based): chr19:50,323,015, G>C on the plus strand (C>G on the coding strand, the complement: KCNC3 is on the minus strand). VCF-style: chr19-50323015-G-C. GRCh37 (hg19) VCF-style: chr19-50826272-G-C.
Other names: c.1710C>G, p.Cys570Trp (NM_001372305.1); c.1938C>G (NM_004977.2); short protein forms C646W, C570W.
Identifiers: ClinVar variation 1918772 (VCV001918772.6), dbSNP rs1396745466, ClinGen allele CA406949542.
Genomic context (GRCh38, chr19:50,323,015, plus strand): 5'-TCCCTGACGCCCAGGCTCACCTGCCCGGTTGATCTCAATCACCTCCTCCTGAGCCAACGG[G>C]CAAGGCTCGCCGGGGGCTGGCAGAGGAGGCAGCCCCATGATCCCCAGCCCACCCGCTCCC-3'
Protein context (NP_004968.2, residues 636-656): LPPLPAPGEP[Cys646Trp]PLAQEEVIEI